The following is an entry in ClinVar:

NM_004946.3(DOCK2):c.1659+4C>A

Gene: DOCK2 (dedicator of cytokinesis 2; plus strand). Cytogenetic location: 5q35.1.
Variant type: single nucleotide variant.
Coding change: c.1659+4C>A on transcript NM_004946.3 (MANE Select); 4 bases into the intron after coding-DNA position 1659, C replaced by A.
Molecular consequence: intron variant.
Genome position (GRCh38, 1-based): chr5:169,712,227, C>A. VCF-style: chr5-169712227-C-A. GRCh37 (hg19) VCF-style: chr5-169139231-C-A.
Identifiers: ClinVar variation 1368569 (VCV001368569.6), dbSNP rs1402887463, ClinGen allele CA564620665.

ClinVar aggregate classification (germline): Uncertain significance (1 of 4 stars; one submission).

Conditions:
DOCK2 deficiency. Also called: Immunodeficiency 40. Identifiers: Orphanet 447737, MedGen C4225328, MONDO:0014637, OMIM 616433.

Allele frequency attached by ClinVar (database versions not stated): TOPMed below 0.00001; gnomAD exomes 0.00001.
gnomAD v4.1: 3 of 1,613,662 alleles (0.00019%); highest among the groups gnomAD compares: Admixed American, 0.005%; no homozygotes.

Submission:

Labcorp Genetics (formerly Invitae), Labcorp
Classification: Uncertain significance for DOCK2 deficiency. Last evaluated: 2023-05-08. Review status: criteria provided, single submitter. Criteria: Invitae Variant Classification Sherloc (09022015). Collection method: clinical testing. Allele origin: germline.
Comment: ClinVar contains an entry for this variant (Variation ID: 1368569). This variant has not been reported in the literature in individuals affected with DOCK2-related conditions. This variant is present in population databases (no rsID available, gnomAD 0.009%). This sequence change falls in intron 17 of the DOCK2 gene. It does not directly change the encoded amino acid sequence of the DOCK2 protein. It affects a nucleotide within the consensus splice site. In summary, the available evidence is currently insufficient to determine the role of this variant in disease. Therefore, it has been classified as a Variant of Uncertain Significance. Variants that disrupt the consensus splice site are a relatively common cause of aberrant splicing (PMID: 17576681, 9536098). Algorithms developed to predict the effect of sequence changes on RNA splicing suggest that this variant is not likely to affect RNA splicing.

Literature cited by the submitters: PubMed 17576681; PubMed 9536098.